The following is an entry in ClinVar:

NM_004484.4(GPC3):c.1685T>C (p.Leu562Pro)

Gene: GPC3 (glypican 3; minus strand). Cytogenetic location: Xq26.2.
Variant type: single nucleotide variant.
Coding change: c.1685T>C on transcript NM_004484.4 (MANE Select); coding-DNA position 1685, T replaced by C.
Protein change: p.Leu562Pro; replaces leucine 562 with proline.
Molecular consequence: missense variant.
Genome position (GRCh38, 1-based): chrX:133,536,182, A>G on the plus strand (T>C on the coding strand, the complement: GPC3 is on the minus strand). VCF-style: chrX-133536182-A-G. GRCh37 (hg19) VCF-style: chrX-132670210-A-G.
Other names: c.1754T>C, p.Leu585Pro (NM_001164617.2); c.1637T>C, p.Leu546Pro (NM_001164618.2); c.1523T>C, p.Leu508Pro (NM_001164619.2); short protein forms L508P, L546P, L562P, L585P.
Identifiers: ClinVar variation 1700536 (VCV001700536.3), dbSNP rs2069288228, ClinGen allele CA414702557.

ClinVar aggregate classification (germline): Uncertain significance. Review status: criteria provided, multiple submitters, no conflicts (2 of 4 stars). 2 submissions from 2 submitters: Uncertain significance (2). Last evaluated 2023-12-22.

Conditions:
Inborn genetic diseases. Identifiers: MedGen C0950123, MeSH D030342.

Allele frequency attached by ClinVar (database versions not stated): TOPMed 0.00001.

Submissions (2):

Ambry Genetics
Classification: Uncertain significance for Inborn genetic diseases. Last evaluated: 2023-12-22. Review status: criteria provided, single submitter. Criteria: Ambry Variant Classification Scheme 2023. Collection method: clinical testing. Allele origin: germline.

GeneDx
Classification: Uncertain significance. Last evaluated: 2022-01-22. Review status: criteria provided, single submitter. Criteria: GeneDx Variant Classification Process June 2021. Collection method: clinical testing. Allele origin: germline. Affected: yes.
Comment: Not observed at significant frequency in large population cohorts (gnomAD); In silico analysis supports that this missense variant does not alter protein structure/function; Has not been previously published as pathogenic or benign to our knowledge